The following is an entry in ClinVar:

NC_000017.10:g.(?_6331618)_(6338424_?)del

Gene: AIPL1 (AIP like 1 HSP90 co-chaperone; minus strand). Cytogenetic location: 17p13.2.
Variant type: Deletion.
Identifiers: ClinVar variation 2425944 (VCV002425944.4).

ClinVar aggregate classification (germline): Pathogenic (1 of 4 stars; one submission).

Conditions:
Leber congenital amaurosis 4 (LCA4). Identifiers: MedGen C1858386, MONDO:0011458, OMIM 604393.

Submission:

Labcorp Genetics (formerly Invitae), Labcorp
Classification: Pathogenic for Leber congenital amaurosis 4. Last evaluated: 2022-09-03. Review status: criteria provided, single submitter. Criteria: Invitae Variant Classification Sherloc (09022015). Collection method: clinical testing. Allele origin: germline.
Comment: For these reasons, this variant has been classified as Pathogenic. This variant has not been reported in the literature in individuals affected with AIPL1-related conditions. This variant is a gross deletion of the genomic region encompassing exon(s) 1-3 of the AIPL1 gene, which includes the initiator codon. This deletion extends beyond the assayed region for this gene and therefore may encompass additional genes. It is expected to result in an absent or disrupted protein product. Loss-of-function variants in AIPL1 are known to be pathogenic (PMID: 10615133, 15249368, 15347646).

Literature cited by the submitters: PubMed 10615133; PubMed 15249368; PubMed 15347646.